The following is an entry in ClinVar:

NM_001384732.1(CPLANE1):c.5744T>C (p.Ile1915Thr)

Gene: CPLANE1 (ciliogenesis and planar polarity effector complex subunit 1; minus strand). Cytogenetic location: 5p13.2.
Variant type: single nucleotide variant.
Coding change: c.5744T>C on transcript NM_001384732.1 (MANE Select); coding-DNA position 5744, T replaced by C.
Protein change: p.Ile1915Thr; replaces isoleucine 1915 with threonine.
Molecular consequence: missense variant.
Genome position (GRCh38, 1-based): chr5:37,179,437, A>G on the plus strand (T>C on the coding strand, the complement: CPLANE1 is on the minus strand). VCF-style: chr5-37179437-A-G. GRCh37 (hg19) VCF-style: chr5-37179539-A-G.
Other names: c.5744T>C, p.Ile1915Thr (NM_023073.4); short protein forms I1915T.
Identifiers: ClinVar variation 1959356 (VCV001959356.5), dbSNP rs753876890, ClinGen allele CA3238451.
Genomic context (GRCh38, chr5:37,179,437, plus strand): 5'-GGTAAAGTCATCATGCAAATGGCAAGACTGGGACTTCTGAAACCTCCAACAGATTCTTCA[A>G]TGTCTTCTAGCGATAAGTGAAGATGAAGAGAAAACTGATCATTTAAAAAATAAGCTATTG-3'
Protein context (NP_001371661.1, residues 1905-1925): DMHISDYEED[Ile1915Thr]EESVGGFRSP

ClinVar aggregate classification (germline): Uncertain significance (1 of 4 stars; one submission).

Allele frequency attached by ClinVar (database versions not stated): gnomAD 0.00001; gnomAD exomes 0.00001; ExAC 0.00002.
gnomAD v4.1: 13 of 1,610,822 alleles (0.00081%); highest among the groups gnomAD compares: South Asian, 0.011%; no homozygotes.

Submission:

Labcorp Genetics (formerly Invitae), Labcorp
Classification: Uncertain significance. Last evaluated: 2023-09-11. Review status: criteria provided, single submitter. Criteria: Invitae Variant Classification Sherloc (09022015). Collection method: clinical testing. Allele origin: germline.
Comment: In summary, the available evidence is currently insufficient to determine the role of this variant in disease. Therefore, it has been classified as a Variant of Uncertain Significance. Advanced modeling of protein sequence and biophysical properties (such as structural, functional, and spatial information, amino acid conservation, physicochemical variation, residue mobility, and thermodynamic stability) performed at Invitae indicates that this missense variant is not expected to disrupt CPLANE1 protein function. ClinVar contains an entry for this variant (Variation ID: 1959356). This variant has not been reported in the literature in individuals affected with CPLANE1-related conditions. This variant is present in population databases (rs753876890, gnomAD 0.009%). This sequence change replaces isoleucine, which is neutral and non-polar, with threonine, which is neutral and polar, at codon 1915 of the CPLANE1 protein (p.Ile1915Thr).